The following is an entry in ClinVar:

NM_006059.4(LAMC3):c.2347+18C>T

Gene: LAMC3 (laminin subunit gamma 3; plus strand). Cytogenetic location: 9q34.12.
Variant type: single nucleotide variant.
Coding change: c.2347+18C>T on transcript NM_006059.4 (MANE Select); 18 bases into the intron after coding-DNA position 2347, C replaced by T.
Molecular consequence: intron variant.
Genome position (GRCh38, 1-based): chr9:131,061,241, C>T. VCF-style: chr9-131061241-C-T. GRCh37 (hg19) VCF-style: chr9-133936628-C-T.
Identifiers: ClinVar variation 513645 (VCV000513645.8), dbSNP rs372898308, ClinGen allele CA5287396.

ClinVar aggregate classification (germline): Likely benign. Review status: criteria provided, multiple submitters, no conflicts (2 of 4 stars). 2 submissions from 2 submitters: Likely benign (2). Last evaluated 2025-09-02.

Allele frequency attached by ClinVar (database versions not stated): TOPMed 0.00008; gnomAD exomes 0.00004; gnomAD 0.00007; ExAC 0.00008; ESP Exome Variant Server 0.00008.
gnomAD v4.1: 43 of 1,592,166 alleles (0.0027%); highest among the groups gnomAD compares: African/African-American, 0.025%; no homozygotes.

Submissions (2):

Labcorp Genetics (formerly Invitae), Labcorp
Classification: Likely benign. Last evaluated: 2025-09-02. Review status: criteria provided, single submitter. Criteria: Invitae Variant Classification Sherloc (09022015). Collection method: clinical testing. Allele origin: germline.

GeneDx
Classification: Likely benign. Last evaluated: 2017-12-08. Review status: criteria provided, single submitter. Criteria: GeneDx Variant Classification (06012015). Collection method: clinical testing. Allele origin: germline. Affected: yes.
Comment: This variant is considered likely benign or benign based on one or more of the following criteria: it is a conservative change, it occurs at a poorly conserved position in the protein, it is predicted to be benign by multiple in silico algorithms, and/or has population frequency not consistent with disease.